The following is an entry in ClinVar:

NM_032634.4(PIGO):c.1046C>T (p.Ser349Leu)

Gene: PIGO (phosphatidylinositol glycan anchor biosynthesis class O; minus strand). Cytogenetic location: 9p13.3.
Variant type: single nucleotide variant.
Coding change: c.1046C>T on transcript NM_032634.4 (MANE Select); coding-DNA position 1046, C replaced by T.
Protein change: p.Ser349Leu; replaces serine 349 with leucine.
Molecular consequence: missense variant.
Genome position (GRCh38, 1-based): chr9:35,093,103, G>A on the plus strand (C>T on the coding strand, the complement: PIGO is on the minus strand). VCF-style: chr9-35093103-G-A. GRCh37 (hg19) VCF-style: chr9-35093100-G-A.
Other names: c.1046C>T, p.Ser349Leu (NM_001201484.2, NM_152850.4); short protein forms S349L.
Identifiers: ClinVar variation 959255 (VCV000959255.7), dbSNP rs371657025, ClinGen allele CA5040742.

ClinVar aggregate classification (germline): Uncertain significance. Review status: criteria provided, multiple submitters, no conflicts (2 of 4 stars). 3 submissions from 3 submitters: Uncertain significance (3). Last evaluated 2025-01-06.

Conditions:
Inborn genetic diseases. Identifiers: MedGen C0950123, MeSH D030342.
Hyperphosphatasia with impaired intellectual development syndrome 2. Also called: Hyperphosphatasia with intellectual disability syndrome 2; GLYCOSYLPHOSPHATIDYLINOSITOL BIOSYNTHESIS DEFECT 6. Identifiers: Orphanet 247262, MedGen C3553637, MONDO:0013882, OMIM 614749.

Allele frequency attached by ClinVar (database versions not stated): gnomAD exomes 0.00003 and 0.00002; TOPMed 0.00004; ESP Exome Variant Server 0.00008; ExAC 0.00001; gnomAD 0.00001.
gnomAD v4.1: 48 of 1,614,052 alleles (0.003%); highest among the groups gnomAD compares: Non-Finnish European, 0.004%; no homozygotes.

Submissions (3):

Labcorp Genetics (formerly Invitae), Labcorp
Classification: Uncertain significance for Hyperphosphatasia with impaired intellectual development syndrome 2. Last evaluated: 2025-01-06. Review status: criteria provided, single submitter. Criteria: Invitae Variant Classification Sherloc (09022015). Collection method: clinical testing. Allele origin: germline.
Comment: This sequence change replaces serine, which is neutral and polar, with leucine, which is neutral and non-polar, at codon 349 of the PIGO protein (p.Ser349Leu). This variant is present in population databases (rs371657025, gnomAD 0.003%). This variant has not been reported in the literature in individuals affected with PIGO-related conditions. ClinVar contains an entry for this variant (Variation ID: 959255). Invitae Evidence Modeling of protein sequence and biophysical properties (such as structural, functional, and spatial information, amino acid conservation, physicochemical variation, residue mobility, and thermodynamic stability) indicates that this missense variant is not expected to disrupt PIGO protein function with a negative predictive value of 95%. In summary, the available evidence is currently insufficient to determine the role of this variant in disease. Therefore, it has been classified as a Variant of Uncertain Significance.

Ambry Genetics
Classification: Uncertain significance for Inborn genetic diseases. Last evaluated: 2023-09-29. Review status: criteria provided, single submitter. Criteria: Ambry Variant Classification Scheme 2023. Collection method: clinical testing. Allele origin: germline.

Fulgent Genetics
Classification: Uncertain significance for Hyperphosphatasia with impaired intellectual development syndrome 2. Last evaluated: 2022-01-13. Review status: criteria provided, single submitter. Criteria: ACMG Guidelines, 2015. Collection method: clinical testing. Allele origin: unknown.